The following continues an entry in ClinVar:

NM_032043.3(BRIP1):c.2990_2993del (p.Thr997fs)

Gene: BRIP1. ClinVar aggregate classification (germline): Conflicting classifications of pathogenicity. Pathogenic (11); Likely pathogenic (10); Uncertain significance (8).

Submissions 7 to 20 of 34:

Color Diagnostics, LLC DBA Color Health
Classification: Likely pathogenic for Hereditary cancer-predisposing syndrome. Last evaluated: 2025-08-18. Review status: criteria provided, single submitter. Criteria: ACMG Guidelines, 2015. Collection method: clinical testing. Allele origin: germline.
Comment: This variant deletes 4 nucleotides in exon 20 of the BRIP1 gene, creating a frameshift and premature translation stop signal in the last exon. This variant is expected to escape nonsense-mediated decay and be expressed as a truncated protein that lacks the functional domains involved in BRCA1-binding, DNA damage and replication stress responses and attenuation of DNA damage tolerance pathway (PMID: 11301010, 14983014, 20159562, 20173781, 22792074). Although functional studies have not been reported for this variant, it is expected to impair BRIP1 protein function. This variant has been reported in individuals affected with breast cancer (PMID: 26921362, 36551643, 38003901Ma et al, 2019DOI: 10.1101/2023.07.03.23290133), ovarian cancer (DOI: 10.1101/2023.07.03.23290133), family history of breast and ovarian cancer (PMID: 26315354), colorectal cancer (PMID: 28135145, 29478780, 30675318), pancreatic cancer (PMID: 32885271), prostate cancer (PMID: 31214711), as well as in individuals unaffected with breast cancer (PMID: 26921362, 30254378). This variant has been identified in 8/250982 chromosomes in the general population by the Genome Aggregation Database (gnomAD). Loss of BRIP1 function is a known mechanism of disease. Based on the available evidence, this variant is classified as Likely Pathogenic. This variant may be hypomorphic and may display reduced penetrance relative to typical pathogenic BRIP1 variants. Medical management should be considered based on the individual's personal and family history.

GeneDx
Classification: Uncertain significance. Last evaluated: 2025-08-06. Review status: criteria provided, single submitter. Criteria: GeneDx Variant Classification Process June 2021. Collection method: clinical testing. Allele origin: germline. Affected: yes.
Comment: Frameshift variant predicted to result in protein truncation, as the last 253 amino acids are replaced with 60 different amino acids, and other loss-of-function variants have been reported downstream in HGMD; Disrupts a critical functional domain: BRCA1 binding domain and TOPBP1 interaction domain (PMID: 11301010, 20159562, 21127055); Observed in individuals with a personal or family history of breast, ovarian, and other cancers (PMID: 26315354, 26921362, 26786923, 28135145, 28888541, 32963463, 32885271); This variant is associated with the following publications: (PMID: 26786923, 30675318, 26315354, 26921362, 18628483, 29478780, 28135145, 31214711, 32963463, 29922827, 28888541, 32885271, 34697415, 33804961, MilanoL2023[preprint], 34308104, 35273153, 35753512, 29368626, 30254378, 32676327, 32191290, 34887416, 11301010, 20159562, 21127055, 35534704, 35980532)

Molecular Diagnostics Laboratory, Catalan Institute of Oncology
Classification: Uncertain significance for Hereditary cancer-predisposing syndrome. Last evaluated: 2025-07-02. Review status: criteria provided, single submitter. Criteria: ACMG Guidelines, 2015. Collection method: clinical testing. Allele origin: germline.
Comment: PVS1_Strong The c.2990_2993del mutation, located in coding exon 20 of the BRIP1 gene, results from a deletion of four nucleotides, causing a translational frameshift with a predicted alternate stop codon (p.(Thr997Argfs*61)).This alteration is not expected to result in loss of function by nonsense-mediated mRNA decay, but it removes >10% of the protein (PVS1_Strong). The SpliceAI algorithm predicts no significant impact on splicing. This variant is found in 7/102586 alleles at a filtered frequency of 0.002% in the gnomAD v2.1.1 database, European non-Finnish non-cancer dataset. The exact functional effect of this alteration is unknown. Although structural, biochemical, and mutational studies have shown that the C-terminal region of the BRIP1 protein plays a role in certain funcions (PMID: 21127055, 22792074), functional assays have indicated that truncations at the 3' end of BRIP1 are functional in the presence of intra-strand cross-linking agents (PMID: 33619228). This variant has been detected in the homozygous state in individuals with no reported features of BRIP1-related Fanconi Anemia (FA-J) (as reported by Ambry in ClinVar database). The variant has been identified in the ClinVar database (17x pathogenic, 9x likely pathogenic, 1x uncertain significance) and in LOVD (1x pathogenic, 2x uncertain significance). Based on currently available information, c.2990_2993del is classified as an uncertain significance variant according to ACMG guidelines.

Institute of Human Genetics, FAU Erlangen, Friedrich-Alexander-Universität Erlangen-Nürnberg
Classification: Pathogenic. Last evaluated: 2025-03-25. Review status: criteria provided, single submitter. Criteria: Hauer et al. (Genet Med. 2018). Collection method: clinical testing. Allele origin: germline. Inheritance: Unknown mechanism. Affected: yes. Observed: 1 variant allele.
Comment: This variant has been identified by standard clinical testing.

Catlab - Consorci Sanitari de Terrassa
Classification: Uncertain significance for Hereditary cancer-predisposing syndrome. Last evaluated: 2025-03-13. Review status: criteria provided, single submitter. Criteria: ACMG Guidelines, 2015. Collection method: clinical testing. Allele origin: germline.
Comment: Based on the currently available information, this variant is classified as Variant of Uncertain Significance according to ACMG Richards 2015 guidelines. ACMG criteria: PVS1_strong.

Ambry Genetics
Classification: Uncertain significance for Hereditary cancer-predisposing syndrome. Last evaluated: 2025-02-13. Review status: criteria provided, single submitter. Criteria: Ambry Variant Classification Scheme 2023. Collection method: clinical testing. Allele origin: germline.
Comment: The c.2990_2993delCAAA pathogenic mutation, located in coding exon 19 of the BRIP1 gene, results from a deletion of four nucleotides between nucleotide positions 2990 and 2993, causing a translational frameshift with a predicted alternate stop codon (p.T997Rfs*61). This alteration occurs at the 3' terminus of theBRIP1 gene, is not expected to trigger nonsense-mediated mRNA decay, and impacts the last 253 amino acids of the protein. The exact functional effect of this alteration is unknown. While the C-terminal region of the protein has been shown by structural, biochemical, and mutational analysis to be relevant for some aspects of BRIP1 protein function (Gong Z et al. Mol. Cell, 2010 Feb;37:438-46; Leung CC et al. J. Biol. Chem. 2011 Feb; 286(6):4292-301; Xie J et al. PLoS Genet. 2012 Jul; 8(7):e1002786), functional studies have shown that truncations in the 3' terminus of BRIP1 are functional in response to intra-strand cross-linking agents (Calvo JA et al. Mol Cancer Res, 2021 Jun;19:1015-1025). This deletion has been identified in patients with a personal or family history of breast and/or ovarian cancer (Ramus SJ et al. J. Natl. Cancer Inst. 2015 Nov;107; Easton DF et al. J Med Genet, 2016 05;53:298-309; Thompson ER et al. J Clin Oncol, 2016 May;34:1455-9) and has also been identified in controls or healthy individuals (Easton DF et al. J Med Genet, 2016 05;53:298-309; Thompson ER et al. J Clin Oncol, 2016 May;34:1455-9; Rowley SM et al. Genet Med, 2019 04;21:913-922). This variant has been detected in the homozygous state in individuals with no reported features of BRIP1-related Fanconi Anemia (FA-J) (Ambry internal data). Based on the available evidence, the clinical significance of this variant remains unclear.

CeGaT Center for Human Genetics Tuebingen
Classification: Likely pathogenic. Last evaluated: 2025-01-01. Review status: criteria provided, single submitter. Criteria: CeGaT Center For Human Genetics Tuebingen Variant Classification Criteria Version 2. Collection method: clinical testing. Allele origin: germline. Affected: yes. Observed: 1 variant allele.
Comment: BRIP1: PVS1:Strong, PS4:Moderate, PM2:Supporting

Blueprint Genetics
Classification: Likely pathogenic for BRIP1-related disorders. Last evaluated: 2024-11-13. Review status: criteria provided, single submitter. Criteria: ACMG Guidelines, 2015. Collection method: clinical testing. Allele origin: germline. Affected: yes. Observed: 4 variant alleles.

Center for Genomic Medicine, Rigshospitalet, Copenhagen University Hospital
Classification: Pathogenic. Last evaluated: 2024-07-31. Review status: criteria provided, single submitter. Criteria: ACMG Guidelines, 2015. Collection method: clinical testing. Allele origin: germline.

Molecular Pathology, Peter Maccallum Cancer Centre
Classification: Likely pathogenic for Familial ovarian cancer. Last evaluated: 2024-03-13. Review status: criteria provided, single submitter. Criteria: ACMG Guidelines, 2015. Collection method: clinical testing. Allele origin: germline. Inheritance: Autosomal dominant inheritance.

Baylor Genetics
Classification: Pathogenic for Familial cancer of breast. Last evaluated: 2024-03-06. Review status: criteria provided, single submitter. Criteria: ACMG Guidelines, 2015. Collection method: clinical testing. Allele origin: unknown.

Revvity Omics, Revvity
Classification: Pathogenic for Fanconi anemia complementation group J. Last evaluated: 2023-12-06. Review status: criteria provided, single submitter. Criteria: ACMG Guidelines, 2015. Collection method: clinical testing. Allele origin: germline.

KCCC/NGS Laboratory, Kuwait Cancer Control Center
Classification: Pathogenic for Familial cancer of breast. Last evaluated: 2023-06-01. Review status: criteria provided, single submitter. Criteria: ACMG Guidelines, 2015. Collection method: clinical testing. Allele origin: germline. Inheritance: Autosomal dominant inheritance. Affected: no. Observed: 1 heterozygote.
Comment: A known pathogenic mutation was detected in the BRIPI gene (c.2990_2993delCAAA).This sequence change creates a premature translational stop signal (p.Thr997Argfs*61) in the BRIPI gene. While this is not anticipated to result in nonsense mediated decay, it is expected to disrupt the last 253 amino acid(s) of the BRIPI protein. This variant is present in population databases (rs771028677, gnomAD 0.006%). It has been reported in the literature in individuals affected with Breast and Ovarian, Pancreatic and Prostate Cancer (Thompson 2016, Ramus 2015, Easton 2016, Lerner-ElIis_202I, Nguyen-Dumont_2021). ClinVar contains an entry for this variant (Variation ID: 234281). This variant disrupts a region of the BRIPI protein in which other variant(s) (p.Lys998Glufs*60) have been determined to be pathogenic (PMID: 18628483). This suggests that this is a clinically significant region of the protein, and that variants that disrupt it are likely to be diseasecausing. For these reasons, this variant has been classified as Pathogenic.

Myriad Genetics, Inc.
Classification: Pathogenic for Familial cancer of breast. Last evaluated: 2023-02-27. Review status: criteria provided, single submitter. Criteria: Myriad Autosomal Dominant, Autosomal Recessive and X-Linked Classification Criteria (2023). Collection method: clinical testing. Allele origin: unknown.
Comment: This variant is considered pathogenic. This variant creates a frameshift predicted to result in premature protein truncation.